The following is an entry in ClinVar:

NM_005475.3(SH2B3):c.704G>C (p.Arg235Pro)

Gene: SH2B3 (SH2B adaptor protein 3; plus strand). Cytogenetic location: 12q24.12.
Variant type: single nucleotide variant.
Coding change: c.704G>C on transcript NM_005475.3 (MANE Select); coding-DNA position 704, G replaced by C.
Protein change: p.Arg235Pro; replaces arginine 235 with proline.
Molecular consequence: missense variant.
Genome position (GRCh38, 1-based): chr12:111,418,849, G>C. VCF-style: chr12-111418849-G-C. GRCh37 (hg19) VCF-style: chr12-111856653-G-C.
Other names: short protein forms R235P.
Identifiers: ClinVar variation 5029468 (VCV005029468.1).

ClinVar aggregate classification (germline): Uncertain significance (1 of 4 stars; one submission).

Conditions:
Inborn genetic diseases. Identifiers: MedGen C0950123, MeSH D030342.

Submission:

Ambry Genetics
Classification: Uncertain significance for Inborn genetic diseases. Last evaluated: 2026-07-13. Review status: criteria provided, single submitter. Criteria: Ambry Variant Classification Scheme 2023. Collection method: clinical testing. Allele origin: germline.
Comment: The p.R235P variant (also known as c.704G>C), located in coding exon 1 of the SH2B3 gene, results from a G to C substitution at nucleotide position 704. The arginine at codon 235 is replaced by proline, an amino acid with dissimilar properties. This amino acid position is conserved. In addition, this alteration is predicted to be tolerated by in silico analysis. Based on the available evidence, the clinical significance of this variant remains unclear.